The following is an entry in ClinVar:

NM_021076.4(NEFH):c.1743C>T (p.Pro581=)

Gene: NEFH (neurofilament heavy chain; plus strand). Cytogenetic location: 22q12.2.
Variant type: single nucleotide variant.
Coding change: c.1743C>T on transcript NM_021076.4 (MANE Select); coding-DNA position 1743, C replaced by T.
Protein change: p.Pro581=; no amino-acid change (proline 581 retained).
Molecular consequence: synonymous variant.
Genome position (GRCh38, 1-based): chr22:29,489,383, C>T. VCF-style: chr22-29489383-C-T. GRCh37 (hg19) VCF-style: chr22-29885372-C-T.
Other names: p.Pro581=; c.1743C>T (NM_021076.3).
Identifiers: ClinVar variation 1658172 (VCV001658172.11), dbSNP rs112681041, ClinGen allele CA10174271.

ClinVar aggregate classification (germline): Benign/Likely benign. Review status: criteria provided, multiple submitters, no conflicts (2 of 4 stars). 3 submissions from 3 submitters: Benign (1); Likely benign (1). 1 of the submissions does not count toward it. Last evaluated 2026-02-03.

Conditions:
NEFH-related disorder. Also called: NEFH-related condition.

Allele frequency attached by ClinVar (database versions not stated): gnomAD 0.00019 and 0.00020; ExAC 0.00044; 1000 Genomes Project 30x 0.00047.
gnomAD v4.1: 315 of 1,597,394 alleles (0.02%); highest among the groups gnomAD compares: Middle Eastern, 0.2%; 1 homozygote.

Submissions (3):

Labcorp Genetics (formerly Invitae), Labcorp
Classification: Benign. Last evaluated: 2026-02-03. Review status: criteria provided, single submitter. Criteria: Invitae Variant Classification Sherloc (09022015). Collection method: clinical testing. Allele origin: germline.

Mayo Clinic Laboratories, Mayo Clinic
Classification: Likely benign. Last evaluated: 2025-12-07. Review status: criteria provided, single submitter. Criteria: ACMG Guidelines, 2015. Collection method: clinical testing. Allele origin: germline. Observed: 2 variant alleles.
Comment: BS1, BP4, BP7

PreventionGenetics, part of Exact Sciences
Classification: Likely benign for NEFH-related condition. Last evaluated: 2019-07-17. Review status: no assertion criteria provided. Collection method: clinical testing. Allele origin: germline. Not counted in ClinVar's aggregate classification.
Comment: This variant is classified as likely benign based on ACMG/AMP sequence variant interpretation guidelines (Richards et al. 2015 PMID: 25741868, with internal and published modifications).